The following is an entry in ClinVar:

NM_006019.4(TCIRG1):c.1919C>T (p.Ala640Val)

Gene: TCIRG1 (T cell immune regulator 1, ATPase H+ transporting V0 subunit a3; plus strand). Cytogenetic location: 11q13.2.
Variant type: single nucleotide variant.
Coding change: c.1919C>T on transcript NM_006019.4 (MANE Select); coding-DNA position 1919, C replaced by T.
Protein change: p.Ala640Val; replaces alanine 640 with valine.
Molecular consequence: missense variant.
Genome position (GRCh38, 1-based): chr11:68,049,694, C>T. VCF-style: chr11-68049694-C-T. GRCh37 (hg19) VCF-style: chr11-67817161-C-T.
Other names: c.1025C>T, p.Ala342Val (NM_001351059.2); c.1271C>T, p.Ala424Val (NM_006053.4); short protein forms A342V, A424V, A640V.
Identifiers: ClinVar variation 2113490 (VCV002113490.4), dbSNP rs1855695272, ClinGen allele CA381588741.

ClinVar aggregate classification (germline): Uncertain significance (1 of 4 stars; one submission).

Allele frequency attached by ClinVar (database versions not stated): TOPMed below 0.00001.

Submission:

Labcorp Genetics (formerly Invitae), Labcorp
Classification: Uncertain significance. Last evaluated: 2022-03-18. Review status: criteria provided, single submitter. Criteria: Invitae Variant Classification Sherloc (09022015). Collection method: clinical testing. Allele origin: germline.
Comment: In summary, the available evidence is currently insufficient to determine the role of this variant in disease. Therefore, it has been classified as a Variant of Uncertain Significance. Algorithms developed to predict the effect of missense changes on protein structure and function are either unavailable or do not agree on the potential impact of this missense change (SIFT: "Deleterious"; PolyPhen-2: "Probably Damaging"; Align-GVGD: "Class C0"). This variant has not been reported in the literature in individuals affected with TCIRG1-related conditions. This variant is not present in population databases (gnomAD no frequency). This sequence change replaces alanine, which is neutral and non-polar, with valine, which is neutral and non-polar, at codon 640 of the TCIRG1 protein (p.Ala640Val).